The following is an entry in ClinVar:

NM_018297.4(NGLY1):c.530C>T (p.Ser177Phe)

Gene: NGLY1 (N-glycanase 1; minus strand). Cytogenetic location: 3p24.2.
Variant type: single nucleotide variant.
Coding change: c.530C>T on transcript NM_018297.4 (MANE Select); coding-DNA position 530, C replaced by T.
Protein change: p.Ser177Phe; replaces serine 177 with phenylalanine.
Molecular consequence: missense variant.
Genome position (GRCh38, 1-based): chr3:25,751,226, G>A on the plus strand (C>T on the coding strand, the complement: NGLY1 is on the minus strand). VCF-style: chr3-25751226-G-A. GRCh37 (hg19) VCF-style: chr3-25792717-G-A.
Other names: c.530C>T, p.Ser177Phe (NM_001145293.2, NM_001145295.2); c.404C>T, p.Ser135Phe (NM_001145294.2); short protein forms S177F, S135F.
Identifiers: ClinVar variation 1407529 (VCV001407529.5), dbSNP rs1706732934, ClinGen allele CA351906274.

ClinVar aggregate classification (germline): Uncertain significance (1 of 4 stars; one submission).

Conditions:
Congenital disorder of deglycosylation (CDDG). Identifiers: MedGen C3808991, MONDO:0031376.

Allele frequency attached by ClinVar (database versions not stated): TOPMed below 0.00001; gnomAD 0.00001.

Submission:

Labcorp Genetics (formerly Invitae), Labcorp
Classification: Uncertain significance for Congenital disorder of deglycosylation. Last evaluated: 2021-08-30. Review status: criteria provided, single submitter. Criteria: Invitae Variant Classification Sherloc (09022015). Collection method: clinical testing. Allele origin: germline.
Comment: This sequence change replaces serine with phenylalanine at codon 177 of the NGLY1 protein (p.Ser177Phe). The serine residue is moderately conserved and there is a large physicochemical difference between serine and phenylalanine. This variant is not present in population databases (ExAC no frequency). This variant has not been reported in the literature in individuals affected with NGLY1-related conditions. Algorithms developed to predict the effect of missense changes on protein structure and function are either unavailable or do not agree on the potential impact of this missense change (SIFT: "Tolerated"; PolyPhen-2: "Possibly Damaging"; Align-GVGD: "Class C0"). In summary, the available evidence is currently insufficient to determine the role of this variant in disease. Therefore, it has been classified as a Variant of Uncertain Significance.